The following is an entry in ClinVar:

ClinVar aggregate classification (germline): Likely pathogenic. Review status: criteria provided, single submitter (1 of 4 stars). 2 submissions from 2 submitters: Likely pathogenic (1). 1 of the submissions does not count toward it. Last evaluated 2024-03-03.

Conditions:
Hernia, anterior diaphragmatic (DIH5). Identifiers: Orphanet 2140, MedGen C1844025, MONDO:0010606, OMIM 306950.

Submissions (2):

SIB Swiss Institute of Bioinformatics
Classification: Likely pathogenic for Hernia, anterior diaphragmatic. Last evaluated: 2024-03-03. Review status: criteria provided, single submitter. Criteria: ACMG Guidelines, 2015. Collection method: curation. Allele origin: unknown. Affected: yes.
Comment: This variant is interpreted for Diaphragmatic hernia 5, X-linked. The following ACMG Tag(s) were applied: Absent from controls (or at extremely low frequency if recessive) in gnomAD (PM2). Well-established functional studies show a deleterious effect (PS3). Multiple lines of computational evidence support a deleterious effect on the gene or gene product (PP3).

OMIM
Classification: Pathogenic for DIAPHRAGMATIC HERNIA 5, X-LINKED. Last evaluated: 2023-11-15. Review status: no assertion criteria provided. Collection method: literature only. Allele origin: germline. Not counted in ClinVar's aggregate classification.

Literature cited by the submitters: PubMed 37751738 (cited by SIB Swiss Institute of Bioinformatics and OMIM).

NM_005032.7(PLS3):c.1497G>C (p.Trp499Cys)

Gene: PLS3 (plastin 3; plus strand). Cytogenetic location: Xq23.
Variant type: single nucleotide variant.
Coding change: c.1497G>C on transcript NM_005032.7 (MANE Select); coding-DNA position 1497, G replaced by C.
Protein change: p.Trp499Cys; replaces tryptophan 499 with cysteine.
Molecular consequence: missense variant.
Genome position (GRCh38, 1-based): chrX:115,646,521, G>C. VCF-style: chrX-115646521-G-C. GRCh37 (hg19) VCF-style: chrX-114880841-G-C.
Other names: c.1497G>C, p.Trp499Cys (NM_001136025.5); c.1416G>C, p.Trp472Cys (NM_001172335.3); c.1458G>C, p.Trp486Cys (NM_001282337.2); c.1362G>C, p.Trp454Cys (NM_001282338.2); short protein forms W499C, W454C, W472C, W486C.
Identifiers: ClinVar variation 2637924 (VCV002637924.2), dbSNP rs2521547128, ClinGen allele CA414336123.